The following is an entry in ClinVar:

NM_002206.3(ITGA7):c.809G>A (p.Gly270Glu)

Gene: ITGA7 (integrin subunit alpha 7; minus strand). Cytogenetic location: 12q13.2.
Variant type: single nucleotide variant.
Coding change: c.809G>A on transcript NM_002206.3 (MANE Select); coding-DNA position 809, G replaced by A.
Protein change: p.Gly270Glu; replaces glycine 270 with glutamic acid.
Molecular consequence: missense variant. On other transcripts: 5 prime UTR variant (1).
Genome position (GRCh38, 1-based): chr12:55,698,899, C>T on the plus strand (G>A on the coding strand, the complement: ITGA7 is on the minus strand). VCF-style: chr12-55698899-C-T. GRCh37 (hg19) VCF-style: chr12-56092683-C-T.
Other names: c.821G>A, p.Gly274Glu (NM_001144996.2, NM_001414029.1, NM_001414030.1); c.530G>A, p.Gly177Glu (NM_001144997.2); c.482G>A, p.Gly161Glu (NM_001367993.1); c.-484G>A (NM_001367994.1); c.809G>A, p.Gly270Glu (NM_001374465.1, NM_001414031.1, NM_001414034.1); c.941G>A, p.Gly314Glu (NM_001410977.1); c.689G>A, p.Gly230Glu (NM_001414032.1); c.626G>A, p.Gly209Glu (NM_001414033.1); and 1 more; short protein forms G157E, G161E, G177E, G209E, G230E, G270E, G274E, G314E.
Identifiers: ClinVar variation 3342675 (VCV003342675.1).

ClinVar aggregate classification (germline): Uncertain significance (1 of 4 stars; one submission).

Submission:

GeneDx
Classification: Uncertain significance. Last evaluated: 2023-12-07. Review status: criteria provided, single submitter. Criteria: GeneDx Variant Classification Process June 2021. Collection method: clinical testing. Allele origin: germline. Affected: yes.
Comment: Not observed at significant frequency in large population cohorts (gnomAD); In silico analysis supports that this missense variant has a deleterious effect on protein structure/function; Has not been previously published as pathogenic or benign to our knowledge